The following is an entry in ClinVar:

NM_003922.4(HERC1):c.14491C>T (p.Arg4831Cys)

Gene: HERC1 (HECT and RLD domain containing E3 ubiquitin protein ligase family member 1; minus strand). Cytogenetic location: 15q22.31.
Variant type: single nucleotide variant.
Coding change: c.14491C>T on transcript NM_003922.4 (MANE Select); coding-DNA position 14491, C replaced by T.
Protein change: p.Arg4831Cys; replaces arginine 4831 with cysteine.
Molecular consequence: missense variant.
Genome position (GRCh38, 1-based): chr15:63,609,176, G>A on the plus strand (C>T on the coding strand, the complement: HERC1 is on the minus strand). VCF-style: chr15-63609176-G-A. GRCh37 (hg19) VCF-style: chr15-63901375-G-A.
Other names: short protein forms R4831C.
Identifiers: ClinVar variation 3373400 (VCV003373400.1).

ClinVar aggregate classification (germline): Uncertain significance (1 of 4 stars; one submission).

gnomAD v4.1: 12 of 1,613,740 alleles (0.00074%); highest among the groups gnomAD compares: Non-Finnish European, 0.001%; no homozygotes.

Submission:

GeneDx
Classification: Uncertain significance. Last evaluated: 2024-05-01. Review status: criteria provided, single submitter. Criteria: GeneDx Variant Classification Process June 2021. Collection method: clinical testing. Allele origin: germline. Affected: yes.
Comment: Not observed at significant frequency in large population cohorts (gnomAD); In silico analysis supports that this missense variant has a deleterious effect on protein structure/function; This variant is associated with the following publications: (PMID: 29926385)